The following is an entry in ClinVar:

NM_002016.2(FLG):c.10737G>A (p.Thr3579=)

Genes: CCDST (cervical cancer associated DHX9 suppressive transcript; plus strand), FLG (filaggrin; minus strand). Cytogenetic location: 1q21.3.
Variant type: single nucleotide variant.
Coding change: c.10737G>A on transcript NM_002016.2 (MANE Select); coding-DNA position 10737, G replaced by A.
Protein change: p.Thr3579=; no amino-acid change (threonine 3579 retained).
Molecular consequence: synonymous variant.
Genome position (GRCh38, 1-based): chr1:152,304,149, C>T on the plus strand (G>A on the coding strand, the complement: FLG is on the minus strand). VCF-style: chr1-152304149-C-T. GRCh37 (hg19) VCF-style: chr1-152276625-C-T.
Identifiers: ClinVar variation 2639231 (VCV002639231.24), dbSNP rs372491432, ClinGen allele CA1103205.

ClinVar aggregate classification (germline): Likely benign (1 of 4 stars; one submission).

Allele frequency attached by ClinVar (database versions not stated): ExAC 0.00004; ESP Exome Variant Server 0.00008; 1000 Genomes Project 30x 0.00016; 1000 Genomes Project 0.00020.
gnomAD v4.1: 65 of 1,602,822 alleles (0.0041%); highest among the groups gnomAD compares: South Asian, 0.046%; 2 homozygotes.

Submission:

CeGaT Center for Human Genetics Tuebingen
Classification: Likely benign. Last evaluated: 2022-12-01. Review status: criteria provided, single submitter. Criteria: CeGaT Center For Human Genetics Tuebingen Variant Classification Criteria Version 2. Collection method: clinical testing. Allele origin: germline. Affected: yes. Observed: 1 variant allele.
Comment: FLG: BP4, BP7, BS2